The following is an entry in ClinVar:

NM_014989.7(RIMS1):c.4073G>A (p.Arg1358His)

Gene: RIMS1 (regulating synaptic membrane exocytosis 1; plus strand). Cytogenetic location: 6q13.
Variant type: single nucleotide variant.
Coding change: c.4073G>A on transcript NM_014989.7 (MANE Select); coding-DNA position 4073, G replaced by A.
Protein change: p.Arg1358His; replaces arginine 1358 with histidine.
Molecular consequence: missense variant. On other transcripts: intron variant (24).
Genome position (GRCh38, 1-based): chr6:72,313,615, G>A. VCF-style: chr6-72313615-G-A. GRCh37 (hg19) VCF-style: chr6-73023318-G-A.
Other names: c.2033G>A, p.Arg678His (NM_001168407.2); c.1994G>A, p.Arg665His (NM_001350414.2); c.2117G>A, p.Arg706His (NM_001350415.2); c.2066G>A, p.Arg689His (NM_001350416.2); c.2039G>A, p.Arg680His (NM_001350418.2); c.2147G>A, p.Arg716His (NM_001350420.2); c.1892G>A, p.Arg631His (NM_001350421.2); c.1808G>A, p.Arg603His (NM_001350423.2, NM_001350444.2); and 51 more; short protein forms R547H, R603H, R604H, R627H, R638H, R654H, R679H, R681H.
Identifiers: ClinVar variation 1427969 (VCV001427969.9), dbSNP rs750430793, ClinGen allele CA3886435.

ClinVar aggregate classification (germline): Uncertain significance. Review status: criteria provided, multiple submitters, no conflicts (2 of 4 stars). 2 submissions from 2 submitters: Uncertain significance (2). Last evaluated 2023-07-10.

Allele frequency attached by ClinVar (database versions not stated): gnomAD exomes below 0.00001 and 0.00002; ExAC 0.00001; TOPMed 0.00002.
gnomAD v4.1: 6 of 1,613,568 alleles (0.00037%); highest among the groups gnomAD compares: South Asian, 0.0022%; no homozygotes.

Submissions (2):

Labcorp Genetics (formerly Invitae), Labcorp
Classification: Uncertain significance. Last evaluated: 2023-07-10. Review status: criteria provided, single submitter. Criteria: Invitae Variant Classification Sherloc (09022015). Collection method: clinical testing. Allele origin: germline.
Comment: In summary, the available evidence is currently insufficient to determine the role of this variant in disease. Therefore, it has been classified as a Variant of Uncertain Significance. An algorithm developed to predict the effect of missense changes on protein structure and function (PolyPhen-2) suggests that this variant is likely to be disruptive. ClinVar contains an entry for this variant (Variation ID: 1427969). This variant has not been reported in the literature in individuals affected with RIMS1-related conditions. This variant is present in population databases (rs750430793, gnomAD 0.004%). This sequence change replaces arginine, which is basic and polar, with histidine, which is basic and polar, at codon 1358 of the RIMS1 protein (p.Arg1358His).

Breakthrough Genomics
Classification: Uncertain significance. Review status: criteria provided, single submitter. Criteria: ACMG Guidelines, 2015. Collection method: not provided. Allele origin: germline. Inheritance: Autosomal dominant inheritance. Affected: yes.